The following is an entry in ClinVar:

ClinVar aggregate classification (germline): Uncertain significance. Review status: criteria provided, multiple submitters, no conflicts (2 of 4 stars). 2 submissions from 2 submitters: Uncertain significance (2). Last evaluated 2026-02-24.

Conditions:
Hereditary cancer-predisposing syndrome. Also called: Hereditary Cancer Syndrome; Tumor predisposition; Neoplastic Syndromes, Hereditary; Hereditary neoplastic syndrome. Identifiers: Orphanet 140162, MedGen C0027672, MeSH D009386, MONDO:0015356.
Pheochromocytoma. Also called: MAX-Related Hereditary Paraganglioma-Pheochromocytoma Syndrome. Identifiers: Orphanet 29072, MedGen C0031511, MONDO:0008233, OMIM 171300, HP:0002666.
Paragangliomas with sensorineural hearing loss. Identifiers: MedGen C1868633.
Cowden syndrome 3 (CWS3). Identifiers: Orphanet 201, MedGen CN166604, MONDO:0014045.
Carney-Stratakis syndrome. Also called: PARAGANGLIOMA AND GASTROINTESTINAL STROMAL TUMOR. Identifiers: Orphanet 97286, MedGen C1847319, MONDO:0011740, OMIM 606864.

Submissions (2):

Ambry Genetics
Classification: Uncertain significance for Hereditary cancer-predisposing syndrome. Last evaluated: 2026-02-24. Review status: criteria provided, single submitter. Criteria: Ambry Variant Classification Scheme 2023. Collection method: clinical testing. Allele origin: germline.
Comment: The p.A13G variant (also known as c.38C>G), located in coding exon 1 of the SDHD gene, results from a C to G substitution at nucleotide position 38. The alanine at codon 13 is replaced by glycine, an amino acid with similar properties. This amino acid position is conserved. In addition, the in silico prediction for this alteration is inconclusive. Based on the available evidence, the clinical significance of this variant remains unclear.

Labcorp Genetics (formerly Invitae), Labcorp
Classification: Uncertain significance for Carney-Stratakis syndrome; Paragangliomas with sensorineural hearing loss; Pheochromocytoma; Cowden syndrome 3. Last evaluated: 2025-05-22. Review status: criteria provided, single submitter. Criteria: Invitae Variant Classification Sherloc (09022015). Collection method: clinical testing. Allele origin: germline.
Comment: This sequence change replaces alanine, which is neutral and non-polar, with glycine, which is neutral and non-polar, at codon 13 of the SDHD protein (p.Ala13Gly). This variant is not present in population databases (gnomAD no frequency). This variant has not been reported in the literature in individuals affected with SDHD-related conditions. ClinVar contains an entry for this variant (Variation ID: 840833). Invitae Evidence Modeling of protein sequence and biophysical properties (such as structural, functional, and spatial information, amino acid conservation, physicochemical variation, residue mobility, and thermodynamic stability) indicates that this missense variant is not expected to disrupt SDHD protein function with a negative predictive value of 95%. In summary, the available evidence is currently insufficient to determine the role of this variant in disease. Therefore, it has been classified as a Variant of Uncertain Significance.

NM_003002.4(SDHD):c.38C>G (p.Ala13Gly)

Genes: SDHD (succinate dehydrogenase complex subunit D; plus strand), LOC126861339 (BRD4-independent group 4 enhancer GRCh37_chr11:111957035-111958234; plus strand). Cytogenetic location: 11q23.1.
Variant type: single nucleotide variant.
Coding change: c.38C>G on transcript NM_003002.4 (MANE Select); coding-DNA position 38, C replaced by G.
Protein change: p.Ala13Gly; replaces alanine 13 with glycine.
Molecular consequence: missense variant. On other transcripts: non-coding transcript variant (1).
Genome position (GRCh38, 1-based): chr11:112,086,945, C>G. VCF-style: chr11-112086945-C-G. GRCh37 (hg19) VCF-style: chr11-111957669-C-G.
Other names: c.38C>G, p.Ala13Gly (NM_001276503.2, NM_001276504.2, NM_001276506.2); c.38C>G (NM_003002.2); short protein forms A13G.
Identifiers: ClinVar variation 840833 (VCV000840833.12), dbSNP rs750080041, ClinGen allele CA382616724.